The following is an entry in ClinVar:

NM_000142.5(FGFR3):c.2287C>G (p.Leu763Val)

Gene: FGFR3 (fibroblast growth factor receptor 3; plus strand). Cytogenetic location: 4p16.3.
Variant type: single nucleotide variant.
Coding change: c.2287C>G on transcript NM_000142.5 (MANE Select); coding-DNA position 2287, C replaced by G.
Protein change: p.Leu763Val; replaces leucine 763 with valine.
Molecular consequence: missense variant. On other transcripts: non-coding transcript variant (1).
Genome position (GRCh38, 1-based): chr4:1,807,128, C>G. VCF-style: chr4-1807128-C-G. GRCh37 (hg19) VCF-style: chr4-1808855-C-G.
Other names: c.2293C>G, p.Leu765Val (NM_001163213.2); c.2290C>G, p.Leu764Val (NM_001354809.2); c.2219C>G, p.Pro740Arg (NM_001354810.2); c.1951C>G, p.Leu651Val (NM_022965.4); short protein forms L651V, L763V, L764V, L765V, P740R.
Identifiers: ClinVar variation 3367484 (VCV003367484.1).
Genomic context (GRCh38, chr4:1,807,128, plus strand): 5'-CGAAGAGGGGCTCGGTGGCACAGCGCTCACCCCGCCTCCCGCCAGCAGGAGTACCTGGAC[C>G]TGTCGGCGCCTTTCGAGCAGTACTCCCCGGGTGGCCAGGACACCCCCAGCTCCAGCTCCT-3'
Protein context (NP_000133.1, residues 753-773): TVTSTDEYLD[Leu763Val]SAPFEQYSPG

ClinVar aggregate classification (germline): Uncertain significance (1 of 4 stars; one submission).

gnomAD v4.1: 4 of 1,586,928 alleles (0.00025%); highest among the groups gnomAD compares: Non-Finnish European, 0.00034%; no homozygotes.

Submission:

GeneDx
Classification: Uncertain significance. Last evaluated: 2024-01-10. Review status: criteria provided, single submitter. Criteria: GeneDx Variant Classification Process June 2021. Collection method: clinical testing. Allele origin: germline. Affected: yes.
Comment: Not observed at significant frequency in large population cohorts (gnomAD); In silico analysis supports that this missense variant does not alter protein structure/function; Has not been previously published as pathogenic or benign to our knowledge